The following is an entry in ClinVar:

ClinVar aggregate classification (germline): Likely pathogenic (1 of 4 stars; one submission).

Conditions:
Usher syndrome type 1 (USH1). Also called: RETINITIS PIGMENTOSA AND CONGENITAL DEAFNESS. Identifiers: Orphanet 231169, Orphanet 886, MedGen C1568247, MONDO:0010168, OMIM 276900.

Submission:

Myriad Genetics, Inc.
Classification: Likely pathogenic for Usher syndrome type 1. Last evaluated: 2019-11-10. Review status: criteria provided, single submitter. Criteria: Myriad Women's Health Autosomal Recessive and X-Linked Classification Criteria (2019). Collection method: clinical testing. Allele origin: unknown.
Comment: NM_000260.3(MYO7A):c.4153G>T(E1385*) is expected to be pathogenic in the context of MYO7A-related disorders. This variant is predicted to lead to an abnormal or absent protein product due to the creation of a premature termination codon in MYO7A, a gene where loss-of-function variants are known to be pathogenic. Please note: this variant was assessed in the context of healthy population screening.

NM_000260.4(MYO7A):c.4153G>T (p.Glu1385Ter)

Gene: MYO7A (myosin VIIA; plus strand). Cytogenetic location: 11q13.5.
Variant type: single nucleotide variant.
Coding change: c.4153G>T on transcript NM_000260.4 (MANE Select); coding-DNA position 4153, G replaced by T.
Protein change: p.Glu1385Ter; replaces glutamic acid 1385 with a stop codon.
Molecular consequence: nonsense.
Genome position (GRCh38, 1-based): chr11:77,194,354, G>T. VCF-style: chr11-77194354-G-T. GRCh37 (hg19) VCF-style: chr11-76905399-G-T.
Other names: c.4153G>T, p.Glu1385Ter (NM_001127180.2); c.4120G>T, p.Glu1374Ter (NM_001369365.1); short protein forms E1374*, E1385*.
Identifiers: ClinVar variation 983732 (VCV000983732.3), dbSNP rs1956480240, ClinGen allele CA381949070.
Genomic context (GRCh38, chr11:77,194,354, plus strand): 5'-GTGGAAGGGCTTCCTGGAGGGGCCTGGGCCAATGCATGACCGAGGCCTCCCCCCACCTAG[G>T]AGGACGACCTGGCTGAGCTGGCCTCCCAGCAGTACTTTGTAGACTATGGCTCTGAGATGA-3'